The following is an entry in ClinVar:

NM_182493.3(MYLK3):c.426G>T (p.Met142Ile)

Gene: MYLK3 (myosin light chain kinase 3; minus strand). Cytogenetic location: 16q11.2.
Variant type: single nucleotide variant.
Coding change: c.426G>T on transcript NM_182493.3 (MANE Select); coding-DNA position 426, G replaced by T.
Protein change: p.Met142Ile; replaces methionine 142 with isoleucine.
Molecular consequence: missense variant. On other transcripts: intron variant (1).
Genome position (GRCh38, 1-based): chr16:46,747,768, C>A on the plus strand (G>T on the coding strand, the complement: MYLK3 is on the minus strand). VCF-style: chr16-46747768-C-A. GRCh37 (hg19) VCF-style: chr16-46781680-C-A.
Other names: c.-113-7621G>T (NM_001308301.1); short protein forms M142I.
Identifiers: ClinVar variation 3612050 (VCV003612050.2).

ClinVar aggregate classification (germline): Uncertain significance (1 of 4 stars; one submission).

Submission:

Labcorp Genetics (formerly Invitae), Labcorp
Classification: Uncertain significance. Last evaluated: 2024-07-23. Review status: criteria provided, single submitter. Criteria: Invitae Variant Classification Sherloc (09022015). Collection method: clinical testing. Allele origin: germline.
Comment: This sequence change replaces methionine, which is neutral and non-polar, with isoleucine, which is neutral and non-polar, at codon 142 of the MYLK3 protein (p.Met142Ile). This variant is present in population databases (rs747122939, gnomAD 0.006%). This variant has not been reported in the literature in individuals affected with MYLK3-related conditions. An algorithm developed to predict the effect of missense changes on protein structure and function (PolyPhen-2) suggests that this variant is likely to be tolerated. In summary, the available evidence is currently insufficient to determine the role of this variant in disease. Therefore, it has been classified as a Variant of Uncertain Significance.